The following is an entry in ClinVar:

ClinVar aggregate classification (germline): Uncertain significance. Review status: criteria provided, multiple submitters, no conflicts (2 of 4 stars). 3 submissions from 3 submitters: Uncertain significance (3). Last evaluated 2026-02-09.

Conditions:
Inborn genetic diseases. Identifiers: MedGen C0950123, MeSH D030342.

Allele frequency attached by ClinVar (database versions not stated): gnomAD 0.00001; TOPMed 0.00002.
gnomAD v4.1: 62 of 1,435,312 alleles (0.0043%); highest among the groups gnomAD compares: Non-Finnish European, 0.0054%; no homozygotes.

Submissions (3):

GeneDx
Classification: Uncertain significance. Last evaluated: 2026-02-09. Review status: criteria provided, single submitter. Criteria: GeneDx Variant Classification Process June 2021. Collection method: clinical testing. Allele origin: germline.
Comment: Not observed at significant frequency in large population cohorts (gnomAD); In silico analysis supports that this missense variant has a deleterious effect on protein structure/function; Has not been previously published as pathogenic or benign to our knowledge

Blueprint Genetics
Classification: Uncertain significance. Last evaluated: 2024-04-19. Review status: criteria provided, single submitter. Criteria: ACMG Guidelines, 2015. Collection method: clinical testing. Allele origin: germline.

Ambry Genetics
Classification: Uncertain significance for Inborn genetic diseases. Last evaluated: 2023-05-02. Review status: criteria provided, single submitter. Criteria: Ambry Variant Classification Scheme 2023. Collection method: clinical testing. Allele origin: germline.

NM_020971.3(SPTBN4):c.3293A>T (p.Asp1098Val)

Gene: SPTBN4 (spectrin beta, non-erythrocytic 4; plus strand). Cytogenetic location: 19q13.2.
Variant type: single nucleotide variant.
Coding change: c.3293A>T on transcript NM_020971.3 (MANE Select); coding-DNA position 3293, A replaced by T.
Protein change: p.Asp1098Val; replaces aspartic acid 1098 with valine.
Molecular consequence: missense variant.
Genome position (GRCh38, 1-based): chr19:40,519,790, A>T. VCF-style: chr19-40519790-A-T. GRCh37 (hg19) VCF-style: chr19-41025697-A-T.
Other names: short protein forms D1098V.
Identifiers: ClinVar variation 2541923 (VCV002541923.4), dbSNP rs965050637, ClinGen allele CA308427372.